The following is an entry in ClinVar:

ClinVar aggregate classification (germline): Uncertain significance (1 of 4 stars; one submission).

Conditions:
Malignant hyperthermia, susceptibility to, 1 (MHS1). Also called: Anesthesia related hyperthermia; Malignant hyperpyrexia; Fulminating hyperpyrexia; Pharmacogenic myopathy; RYR1-Related Malignant Hyperthermia Susceptibility; Malignant hyperthermia suceptibility 1. Identifiers: Orphanet 423, MedGen C2930980, MONDO:0007783, OMIM 145600.

Allele frequency attached by ClinVar (database versions not stated): TOPMed below 0.00001.

Submission:

All of Us Research Program, National Institutes of Health
Classification: Uncertain significance for Malignant hyperthermia, susceptibility to, 1. Last evaluated: 2023-08-15. Review status: criteria provided, single submitter. Criteria: ACMG Guidelines, 2015. Collection method: clinical testing. Allele origin: germline. Inheritance: Autosomal dominant inheritance. Observed: 1 variant allele, 1 heterozygote.
Comment: This study involves interpretation of variants in research participants for the purpose of population health screening. Participant phenotype was not available at the time of variant classification. Additional details can be found in publication PMID: 35346344, PMCID: PMC8962531

NM_000540.3(RYR1):c.2452G>A (p.Glu818Lys)

Gene: RYR1 (ryanodine receptor 1; plus strand). Cytogenetic location: 19q13.2.
Variant type: single nucleotide variant.
Coding change: c.2452G>A on transcript NM_000540.3 (MANE Select); coding-DNA position 2452, G replaced by A.
Protein change: p.Glu818Lys; replaces glutamic acid 818 with lysine.
Molecular consequence: missense variant.
Genome position (GRCh38, 1-based): chr19:38,460,466, G>A. VCF-style: chr19-38460466-G-A. GRCh37 (hg19) VCF-style: chr19-38951106-G-A.
Other names: c.2452G>A, p.Glu818Lys (NM_001042723.2); short protein forms E818K.
Identifiers: ClinVar variation 3072826 (VCV003072826.1), dbSNP rs1967669581, ClinGen allele CA405629168.